The following is an entry in ClinVar:

NM_000218.3(KCNQ1):c.1066C>T (p.Gln356Ter)

Gene: KCNQ1 (potassium voltage-gated channel subfamily Q member 1; plus strand). Cytogenetic location: 11p15.5.
Variant type: single nucleotide variant.
Coding change: c.1066C>T on transcript NM_000218.3 (MANE Select); coding-DNA position 1066, C replaced by T.
Protein change: p.Gln356Ter; replaces glutamine 356 with a stop codon.
Molecular consequence: nonsense.
Genome position (GRCh38, 1-based): chr11:2,585,245, C>T. VCF-style: chr11-2585245-C-T. GRCh37 (hg19) VCF-style: chr11-2606475-C-T.
Other names: p.Q356*:CAG>TAG; c.796C>T, p.Gln266Ter (NM_001406837.1); c.685C>T, p.Gln229Ter (NM_181798.2); short protein forms Q356*, Q229*, Q266*.
Identifiers: ClinVar variation 52946 (VCV000052946.31), dbSNP rs397508072, ClinGen allele CA005143.
Genomic context (GRCh38, chr11:2,585,245, plus strand): 5'-GGGAGCCTCCTGTCCATTCCTTCCCAGGGGATTCTTGGCTCGGGGTTTGCCCTGAAGGTG[C>T]AGCAGAAGCAGAGGCAGAAGCACTTCAACCGGCAGATCCCGGCGGCAGCCTCACTCATTC-3'

ClinVar aggregate classification (germline): Pathogenic. Review status: criteria provided, multiple submitters, no conflicts (2 of 4 stars). 13 submissions from 13 submitters: Pathogenic (11). 2 of the submissions do not count toward it. Last evaluated 2026-01-01.

Conditions:
Cardiovascular phenotype. Identifiers: MedGen CN230736.
KCNQ1-related disorder. Also called: KCNQ1-related condition; KCNQ1-related disorders. Identifiers: MedGen CN239322.
Cardiac arrhythmia. Also called: Arrhythmia; Cardiac rhythm disease. Identifiers: MedGen C0003811, MONDO:0007263, HP:0011675.
Familial long QT syndrome (RWS). Also called: Congenital long QT syndrome; Romano-Ward syndrome; VENTRICULAR FIBRILLATION WITH PROLONGED QT INTERVAL. Identifiers: Orphanet 768, MedGen C1141890, MONDO:0019171.
Long QT syndrome 1 (LQT1). Identifiers: Orphanet 101016, Orphanet 768, MedGen C4551647, MONDO:0100316, OMIM 192500, MONDO:0008646.
Jervell and Lange-Nielsen syndrome 1 (JLNS1). Also called: CARDIOAUDITORY SYNDROME OF JERVELL AND LANGE-NIELSEN; DEAFNESS, CONGENITAL, AND FUNCTIONAL HEART DISEASE; PROLONGED QT INTERVAL IN EKG AND SUDDEN DEATH; SURDO-CARDIAC SYNDROME. Identifiers: Orphanet 768, Orphanet 90647, MedGen C4551509, MONDO:0024540, OMIM 220400.
Long QT syndrome (LQTS). Identifiers: MedGen C0023976, MeSH D008133, MONDO:0002442. Disease mechanism: loss of function. Inheritance: Various modes of inheritance.

Allele frequency attached by ClinVar (database versions not stated): gnomAD exomes 0.00001.
gnomAD v4.1: 11 of 1,614,080 alleles (0.00068%); highest among the groups gnomAD compares: Non-Finnish European, 0.00085%; no homozygotes.

Submissions (13):

CeGaT Center for Human Genetics Tuebingen
Classification: Pathogenic. Last evaluated: 2026-01-01. Review status: criteria provided, single submitter. Criteria: CeGaT Center For Human Genetics Tuebingen Variant Classification Criteria Version 2. Collection method: clinical testing. Allele origin: germline. Affected: yes. Observed: 4 variant alleles.
Comment: KCNQ1: PVS1, PS4, PM2

Labcorp Genetics (formerly Invitae), Labcorp
Classification: Pathogenic for Long QT syndrome. Last evaluated: 2025-11-12. Review status: criteria provided, single submitter. Criteria: Invitae Variant Classification Sherloc (09022015). Collection method: clinical testing. Allele origin: germline.
Comment: This sequence change creates a premature translational stop signal (p.Gln356*) in the KCNQ1 gene. It is expected to result in an absent or disrupted protein product. Loss-of-function variants in KCNQ1 are known to be pathogenic (PMID: 9323054, 19862833). This variant is not present in population databases (gnomAD no frequency). This premature translational stop signal has been observed in individual(s) with autosomal dominant long QT syndrome (PMID: 10973849, 18239739, 19716085, 19862833, 21350584). ClinVar contains an entry for this variant (Variation ID: 52946). Algorithms developed to predict the effect of sequence changes on RNA splicing suggest that this variant may disrupt the consensus splice site. For these reasons, this variant has been classified as Pathogenic.

GeneDx
Classification: Pathogenic. Last evaluated: 2025-10-01. Review status: criteria provided, single submitter. Criteria: GeneDx Variant Classification Process June 2021. Collection method: clinical testing. Allele origin: germline. Affected: yes.
Comment: Not observed at significant frequency in large population cohorts (gnomAD); Nonsense variant predicted to result in protein truncation or nonsense mediated decay in a gene for which loss of function is a known mechanism of disease; This variant is associated with the following publications: (PMID: 23631430, 19716085, 21350584, 17905336, 10973849, 19862833, 18239739, 28212739, 25956966, 26669661, 36007526, 30291343, 33087929, 31737537, 32383558, 32686758, 34505893, 39486665, 37967257)

Ambry Genetics
Classification: Pathogenic for Cardiovascular phenotype. Last evaluated: 2024-12-03. Review status: criteria provided, single submitter. Criteria: Ambry Variant Classification Scheme 2023. Collection method: clinical testing. Allele origin: germline.
Comment: The p.Q356* pathogenic mutation (also known as c.1066C>T), located in coding exon 8 of the KCNQ1 gene, results from a C to T substitution at nucleotide position 1066. This changes the amino acid from a glutamine to a stop codon within coding exon 8. This variant was reported in individual(s) with features consistent with long QT syndrome (LQTS) (Splawski I et al. Circulation. 2000;102:1178-85; Chung SK et al. Heart Rhythm. 2007;4:1306-14; Udo EO et al. Neth Heart J. 2007;15:418-21; Kapplinger JD et al. Heart Rhythm. 2009;6:1297-303; Hofman N et al. Neth Heart J. 2011;19:10-16; Lieve KV et al. Genet Test Mol Biomarkers, 2013 Jul;17:553-61; Rohatgi RK et al. Heart Rhythm. 2015;12(8):1807-12). This variant is considered to be rare based on population cohorts in the Genome Aggregation Database (gnomAD). In addition to the clinical data presented in the literature, this alteration is expected to result in loss of function by premature protein truncation or nonsense-mediated mRNA decay. As such, this alteration is interpreted as a disease-causing mutation.

Laboratory for Molecular Medicine, Mass General Brigham Personalized Medicine
Classification: Pathogenic for Familial long QT syndrome. Last evaluated: 2024-03-21. Review status: criteria provided, single submitter. Criteria: ACMG Guidelines, 2015. Collection method: clinical testing. Allele origin: germline. Inheritance: Autosomal dominant inheritance.
Comment: proposed classification - variant undergoing re-assessment, contact laboratory

All of Us Research Program, National Institutes of Health
Classification: Pathogenic for Long QT syndrome. Last evaluated: 2023-12-11. Review status: criteria provided, single submitter. Criteria: ACMG Guidelines, 2015. Collection method: clinical testing. Allele origin: germline. Inheritance: Autosomal dominant inheritance. Observed: 3 variant alleles, 3 heterozygotes.
Comment: This variant changes 1 nucleotide in exon 8 of the KCNQ1 gene, creating a premature translation stop signal. This variant is expected to result in an absent or non-functional protein product. This variant has been reported in multiple individuals affected with or suspected of having long QT syndrome (PMID: 10973849, 17905336, 19716085, 21350584, 23631430, 25956966). This variant has not been identified in the general population by the Genome Aggregation Database (gnomAD). Loss of KCNQ1 function is a known mechanism of disease. Based on the available evidence, this variant is classified as Pathogenic.

This study involves interpretation of variants in research participants for the purpose of population health screening. Participant phenotype was not available at the time of variant classification. Additional details can be found in publication PMID: 35346344, PMCID: PMC8962531

Color Diagnostics, LLC DBA Color Health
Classification: Pathogenic for Cardiac arrhythmia. Last evaluated: 2023-03-08. Review status: criteria provided, single submitter. Criteria: ACMG Guidelines, 2015. Collection method: clinical testing. Allele origin: germline.
Comment: This variant changes 1 nucleotide in exon 8 of the KCNQ1 gene, creating a premature translation stop signal. This variant is expected to result in an absent or non-functional protein product. This variant has been reported in multiple individuals affected with or suspected of having long QT syndrome (PMID: 10973849, 17905336, 19716085, 21350584, 23631430, 25956966). This variant has not been identified in the general population by the Genome Aggregation Database (gnomAD). Loss of KCNQ1 function is a known mechanism of disease. Based on the available evidence, this variant is classified as Pathogenic.

Women's Health and Genetics/Laboratory Corporation of America, LabCorp
Classification: Pathogenic for Cardiac arrhythmia. Last evaluated: 2023-02-02. Review status: criteria provided, single submitter. Criteria: LabCorp Variant Classification Summary - May 2015. Collection method: clinical testing. Allele origin: germline.
Comment: Variant summary: KCNQ1 c.1066C>T (p.Gln356X) results in a premature termination codon, predicted to cause a truncation of the encoded protein or absence of the protein due to nonsense mediated decay, which are commonly known mechanisms for disease. Truncations downstream of this position have been classified as pathogenic by our laboratory. The variant was absent in 251356 control chromosomes (gnomAD). c.1066C>T has been reported in the literature in multiple individuals affected with Long QT Syndrome (e.g. Splawski_2000, Hofman_2011, Robyns_2017). These data indicate that the variant is very likely to be associated with disease. To our knowledge, no experimental evidence demonstrating an impact on protein function has been reported. Five ClinVar submitters have assessed the variant since 2014: all five classified the variant as pathogenic. Based on the evidence outlined above, the variant was classified as pathogenic.

Blueprint Genetics
Classification: Pathogenic for KCNQ1-related disorders. Last evaluated: 2022-03-02. Review status: criteria provided, single submitter. Criteria: ACMG Guidelines, 2015. Collection method: clinical testing. Allele origin: germline. Affected: yes. Observed: 5 variant alleles.

Human Genome Sequencing Center Clinical Lab, Baylor College of Medicine
Classification: Pathogenic for Long QT syndrome 1; Jervell and Lange-Nielsen syndrome 1. Last evaluated: 2019-12-31. Review status: criteria provided, single submitter. Criteria: ACMG Guidelines, 2015. Collection method: clinical testing. Allele origin: germline.
Comment: The c.1066C>T (p.Gln356Ter) variant of KCNQ1 gene results in an early stop codon at amino acid 356 and is predicted to cause a truncated or absent protein product via NMD. This variant is not reported in the gnomAD population database and has been previously reported in individuals with LQTS (PMID: 10973849, 18239739, 19716085, 21350584). Loss of function variants in KCNQ1 are known to cause LQTS (PMID: 18774102, 18774102, 15840476). Based on the currently available information, the KCNQ1 c.1066C>T variant is considered pathogenic.

MVZ Martinsried, Medicover Genetics
Classification: Pathogenic for Long QT syndrome 1. Last evaluated: 2018-05-05. Review status: criteria provided, single submitter. Criteria: ACMG Guidelines, 2015. Collection method: clinical testing. Allele origin: unknown. Affected: yes.

Clinical Genetics, Academic Medical Center
Classification: Pathogenic. Review status: no assertion criteria provided. Collection method: clinical testing. Allele origin: germline. Affected: yes. Study: VKGL Data-share Consensus. Not counted in ClinVar's aggregate classification.

Diagnostic Laboratory, Department of Genetics, University Medical Center Groningen
Classification: Pathogenic. Review status: no assertion criteria provided. Collection method: clinical testing. Allele origin: germline. Affected: yes. Study: VKGL Data-share Consensus. Not counted in ClinVar's aggregate classification.

Literature cited by the submitters: PubMed 9323054 (cited by Labcorp Genetics (formerly Invitae), Labcorp); PubMed 19862833 (cited by Labcorp Genetics (formerly Invitae), Labcorp); PubMed 10973849 (cited by 6 submitters); PubMed 18239739 (cited by 3 submitters); PubMed 19716085 (cited by 5 submitters); PubMed 21350584 (cited by 6 submitters); PubMed 17905336 (cited by 3 submitters); PubMed 23631430 (cited by 3 submitters); PubMed 25956966 (cited by 3 submitters); PubMed 28212739 (cited by Women's Health and Genetics/Laboratory Corporation of America, LabCorp).